The following is an entry in ClinVar:

ClinVar aggregate classification (germline): Uncertain significance (1 of 4 stars; one submission).

Conditions:
Hereditary cancer-predisposing syndrome. Also called: Neoplastic Syndromes, Hereditary; Hereditary Cancer Syndrome; Tumor predisposition; Hereditary neoplastic syndrome. Identifiers: Orphanet 140162, MedGen C0027672, MeSH D009386, MONDO:0015356.

Submission:

Color Diagnostics, LLC DBA Color Health
Classification: Uncertain significance for Hereditary cancer-predisposing syndrome. Last evaluated: 2022-12-07. Review status: criteria provided, single submitter. Criteria: ACMG Guidelines, 2015. Collection method: clinical testing. Allele origin: germline.
Comment: This missense variant replaces asparagine with lysine at codon 302 of the PALB2 protein. Computational prediction suggests that this variant may not impact protein structure and function (internally defined REVEL score threshold <= 0.5, PMID: 27666373). To our knowledge, functional studies have not been reported for this variant. This variant has not been reported in individuals affected with PALB2-related disorders in the literature. This variant has not been identified in the general population by the Genome Aggregation Database (gnomAD). The available evidence is insufficient to determine the role of this variant in disease conclusively. Therefore, this variant is classified as a Variant of Uncertain Significance.

NM_024675.4(PALB2):c.906C>A (p.Asn302Lys)

Gene: PALB2 (partner and localizer of BRCA2; minus strand). Cytogenetic location: 16p12.2.
Variant type: single nucleotide variant.
Coding change: c.906C>A on transcript NM_024675.4 (MANE Select); coding-DNA position 906, C replaced by A.
Protein change: p.Asn302Lys; replaces asparagine 302 with lysine.
Molecular consequence: missense variant.
Genome position (GRCh38, 1-based): chr16:23,635,640, G>T on the plus strand (C>A on the coding strand, the complement: PALB2 is on the minus strand). VCF-style: chr16-23635640-G-T. GRCh37 (hg19) VCF-style: chr16-23646961-G-T.
Other names: short protein forms N302K.
Identifiers: ClinVar variation 927826 (VCV000927826.5), dbSNP rs1967010410, ClinGen allele CA395135492.
Genomic context (GRCh38, chr16:23,635,640, plus strand): 5'-CTCTAAATTAGAACTTGTGGGCAGTTGGCCACTTTTACTTATAGCTTTATTTACAAGGAG[G>T]TTATCTGTAGAGACAGTCATTTTTTTGCCTTGTGCCTCCAAACTTACAGGTGAAGTAAAT-3'
Protein context (NP_078951.2, residues 292-312): QGKKMTVSTD[Asn302Lys]LLVNKAISKS